The following is an entry in ClinVar:

ClinVar aggregate classification (germline): Uncertain significance (1 of 4 stars; one submission).

Submission:

CeGaT Center for Human Genetics Tuebingen
Classification: Uncertain significance. Last evaluated: 2026-02-01. Review status: criteria provided, single submitter. Criteria: CeGaT Center For Human Genetics Tuebingen Variant Classification Criteria Version 2. Collection method: clinical testing. Allele origin: germline. Affected: yes. Observed: 2 variant alleles.
Comment: PRX: PM2

NM_181882.3(PRX):c.381+24_381+39dup

Gene: PRX (periaxin; minus strand). Cytogenetic location: 19q13.2.
Variant type: Duplication.
Coding change: c.381+24_381+39dup on transcript NM_181882.3 (MANE Select); bases 24 to 39 of the intron after coding-DNA position 381, 16 bases duplicated (GGCCCTGGACTGCCCC).
Molecular consequence: intron variant. On other transcripts: frameshift variant (1).
Genome position (GRCh38, 1-based): chr19:40,398,581-40,398,596, GGGGCAGTCCAGGGCC duplicated on the plus strand (GGCCCTGGACTGCCCC on the coding strand, the reverse complement: PRX is on the minus strand); duplicating any 16 consecutive bases within chr19:40,398,581-40,398,601 gives the same sequence; the c. name uses the placement nearest the transcript's 3' end. VCF-style (leftmost placement, unchanged base first): chr19-40398580-T-TGGGGCAGTCCAGGGCC. GRCh37 (hg19) VCF-style: chr19-40904487-T-TGGGGCAGTCCAGGGCC.
Other names: c.405_420dup, p.Ser141fs (NM_020956.2); c.666+24_666+39dup (NM_001411127.1); short protein forms S141fs.
Identifiers: ClinVar variation 2672765 (VCV002672765.23), dbSNP rs757956659, ClinGen allele CA9444490.